The following is an entry in ClinVar:

NM_001276270.2(MBD4):c.1504C>T (p.Leu502Phe)

Gene: MBD4 (methyl-CpG binding domain 4, DNA glycosylase; minus strand). Cytogenetic location: 3q21.3.
Variant type: single nucleotide variant.
Coding change: c.1504C>T on transcript NM_001276270.2 (MANE Select); coding-DNA position 1504, C replaced by T.
Protein change: p.Leu502Phe; replaces leucine 502 with phenylalanine.
Molecular consequence: missense variant.
Genome position (GRCh38, 1-based): chr3:129,433,137, G>A on the plus strand (C>T on the coding strand, the complement: MBD4 is on the minus strand). VCF-style: chr3-129433137-G-A. GRCh37 (hg19) VCF-style: chr3-129151980-G-A.
Other names: c.1522C>T, p.Leu508Phe (NM_001276271.2, NM_001276272.2, NM_003925.3); c.568C>T, p.Leu190Phe (NM_001276273.2); short protein forms L502F, L508F, L190F.
Identifiers: ClinVar variation 5024008 (VCV005024008.1).

ClinVar aggregate classification (germline): Uncertain significance (1 of 4 stars; one submission).

Conditions:
Inborn genetic diseases. Identifiers: MedGen C0950123, MeSH D030342.

Submission:

Ambry Genetics
Classification: Uncertain significance for Inborn genetic diseases. Last evaluated: 2026-06-21. Review status: criteria provided, single submitter. Criteria: Ambry Variant Classification Scheme 2023. Collection method: clinical testing. Allele origin: germline.
Comment: The p.L502F variant (also known as c.1504C>T), located in coding exon 6 of the MBD4 gene, results from a C to T substitution at nucleotide position 1504. The leucine at codon 502 is replaced by phenylalanine, an amino acid with highly similar properties. This amino acid position is conserved. In addition, this alteration is predicted to be deleterious by in silico analysis. Based on the available evidence, the clinical significance of this variant remains unclear.